The following is an entry in ClinVar:

ClinVar aggregate classification (germline): Uncertain significance. Review status: criteria provided, multiple submitters, no conflicts (2 of 4 stars). 2 submissions from 2 submitters: Uncertain significance (2). Last evaluated 2021-09-17.

Conditions:
DICER1-related tumor predisposition. Also called: DICER1 syndrome; DICER1-related pleuropulmonary blastoma cancer predisposition syndrome. Identifiers: Orphanet 284343, MedGen C3839822, MONDO:0100216.
Hereditary cancer-predisposing syndrome. Also called: Hereditary neoplastic syndrome; Tumor predisposition; Neoplastic Syndromes, Hereditary; Hereditary Cancer Syndrome. Identifiers: Orphanet 140162, MedGen C0027672, MeSH D009386, MONDO:0015356.

Allele frequency attached by ClinVar (database versions not stated): gnomAD exomes below 0.00001.
gnomAD v4.1: 1 of 1,613,564 alleles (0.000062%); highest among the groups gnomAD compares: Non-Finnish European, 0.000085%; no homozygotes.

Submissions (2):

Ambry Genetics
Classification: Uncertain significance for Hereditary cancer-predisposing syndrome. Last evaluated: 2021-09-17. Review status: criteria provided, single submitter. Criteria: Ambry Variant Classification Scheme 2023. Collection method: clinical testing. Allele origin: germline.
Comment: The p.A103V variant (also known as c.308C>T), located in coding exon 3 of the DICER1 gene, results from a C to T substitution at nucleotide position 308. This variant impacts the first base pair of coding exon 3. The alanine at codon 103 is replaced by valine, an amino acid with similar properties. This amino acid position is highly conserved in available vertebrate species. In addition, this alteration is predicted to be tolerated by in silico analysis. Since supporting evidence is limited at this time, the clinical significance of this alteration remains unclear.

Labcorp Genetics (formerly Invitae), Labcorp
Classification: Uncertain significance for DICER1-related tumor predisposition. Last evaluated: 2019-09-02. Review status: criteria provided, single submitter. Criteria: Invitae Variant Classification Sherloc (09022015). Collection method: clinical testing. Allele origin: germline.
Comment: In summary, the available evidence is currently insufficient to determine the role of this variant in disease. Therefore, it has been classified as a Variant of Uncertain Significance. Algorithms developed to predict the effect of missense changes on protein structure and function (SIFT, PolyPhen-2, Align-GVGD) all suggest that this variant is likely to be tolerated, but these predictions have not been confirmed by published functional studies and their clinical significance is uncertain. This variant has not been reported in the literature in individuals with DICER1-related conditions. This variant is not present in population databases (ExAC no frequency). This sequence change replaces alanine with valine at codon 103 of the DICER1 protein (p.Ala103Val). The alanine residue is moderately conserved and there is a small physicochemical difference between alanine and valine.

NM_177438.3(DICER1):c.308C>T (p.Ala103Val)

Gene: DICER1 (dicer 1, ribonuclease III; minus strand). Cytogenetic location: 14q32.13.
Variant type: single nucleotide variant.
Coding change: c.308C>T on transcript NM_177438.3 (MANE Select); coding-DNA position 308, C replaced by T.
Protein change: p.Ala103Val; replaces alanine 103 with valine.
Molecular consequence: missense variant.
Genome position (GRCh38, 1-based): chr14:95,131,639, G>A on the plus strand (C>T on the coding strand, the complement: DICER1 is on the minus strand). VCF-style: chr14-95131639-G-A. GRCh37 (hg19) VCF-style: chr14-95597976-G-A.
Other names: c.308C>T, p.Ala103Val (NM_001195573.1, NM_001271282.3, NM_001291628.2 and 1 more transcripts); short protein forms A103V.
Identifiers: ClinVar variation 961175 (VCV000961175.13), dbSNP rs1893961613, ClinGen allele CA390889525.